The following is an entry in ClinVar:

ClinVar aggregate classification (germline): Uncertain significance (1 of 4 stars; one submission).

Conditions:
Rhabdoid tumor predisposition syndrome 2 (RTPS2). Identifiers: Orphanet 231108, Orphanet 69077, MedGen C2750074, MONDO:0013224, OMIM 613325.

Submission:

Labcorp Genetics (formerly Invitae), Labcorp
Classification: Uncertain significance for Rhabdoid tumor predisposition syndrome 2. Last evaluated: 2023-01-20. Review status: criteria provided, single submitter. Criteria: Invitae Variant Classification Sherloc (09022015). Collection method: clinical testing. Allele origin: germline.
Comment: In summary, the available evidence is currently insufficient to determine the role of this variant in disease. Therefore, it has been classified as a Variant of Uncertain Significance. Advanced modeling of protein sequence and biophysical properties (such as structural, functional, and spatial information, amino acid conservation, physicochemical variation, residue mobility, and thermodynamic stability) performed at Invitae indicates that this missense variant is expected to disrupt SMARCA4 protein function. This variant has not been reported in the literature in individuals affected with SMARCA4-related conditions. This variant is not present in population databases (gnomAD no frequency). This sequence change replaces threonine, which is neutral and polar, with isoleucine, which is neutral and non-polar, at codon 961 of the SMARCA4 protein (p.Thr961Ile).

NM_003072.5(SMARCA4):c.2882C>T (p.Thr961Ile)

Gene: SMARCA4 (SWI/SNF related BAF chromatin remodeling complex subunit ATPase 4; plus strand). Cytogenetic location: 19p13.2.
Variant type: single nucleotide variant.
Coding change: c.2882C>T on transcript NM_003072.5 (MANE Select); coding-DNA position 2882, C replaced by T.
Protein change: p.Thr961Ile; replaces threonine 961 with isoleucine.
Molecular consequence: missense variant. On other transcripts: non-coding transcript variant (1).
Genome position (GRCh38, 1-based): chr19:11,023,540, C>T. VCF-style: chr19-11023540-C-T. GRCh37 (hg19) VCF-style: chr19-11134216-C-T.
Other names: c.2882C>T, p.Thr961Ile (NM_001128844.3, NM_001128845.2, NM_001128846.2 and 6 more transcripts); short protein forms T961I.
Identifiers: ClinVar variation 2829614 (VCV002829614.3), dbSNP rs2146452506, ClinGen allele CA404057513.
Genomic context (GRCh38, chr19:11,023,540, plus strand): 5'-GAGGTAACGCTTGCTTCTCCTGTCTTGGGGGCTTCCAGGTGGACCTGAATGAGGAGGAAA[C>T]CATTCTCATCATCCGGCGTCTCCACAAAGTGCTGCGGCCCTTCTTGCTCCGACGACTCAA-3'
Protein context (NP_003063.2, residues 951-971): GEKVDLNEEE[Thr961Ile]ILIIRRLHKV